The following is an entry in ClinVar:

ClinVar aggregate classification (germline): Conflicting classifications of pathogenicity. Review status: criteria provided, conflicting classifications (1 of 4 stars). 3 submissions from 3 submitters: Uncertain significance (2); Likely benign (1). Last evaluated 2026-02-01.

Conditions:
Hereditary cancer-predisposing syndrome. Also called: Neoplastic Syndromes, Hereditary; Hereditary Cancer Syndrome; Hereditary neoplastic syndrome; Tumor predisposition. Identifiers: Orphanet 140162, MedGen C0027672, MeSH D009386, MONDO:0015356.

gnomAD v4.1: 1 of 1,613,618 alleles (0.000062%); highest among the groups gnomAD compares: Middle Eastern, 0.017%; no homozygotes.

Submissions (3):

Labcorp Genetics (formerly Invitae), Labcorp
Classification: Uncertain significance. Last evaluated: 2026-02-01. Review status: criteria provided, single submitter. Criteria: Invitae Variant Classification Sherloc (09022015). Collection method: clinical testing. Allele origin: germline.
Comment: This sequence change replaces valine, which is neutral and non-polar, with leucine, which is neutral and non-polar, at codon 2152 of the POLE protein (p.Val2152Leu). This variant is not present in population databases (gnomAD no frequency). This variant has not been reported in the literature in individuals affected with POLE-related conditions. ClinVar contains an entry for this variant (Variation ID: 540753). Invitae Evidence Modeling of protein sequence and biophysical properties (such as structural, functional, and spatial information, amino acid conservation, physicochemical variation, residue mobility, and thermodynamic stability) indicates that this missense variant is not expected to disrupt POLE protein function with a negative predictive value of 80%. In summary, the available evidence is currently insufficient to determine the role of this variant in disease. Therefore, it has been classified as a Variant of Uncertain Significance.

Ambry Genetics
Classification: Likely benign for Hereditary cancer-predisposing syndrome. Last evaluated: 2025-02-07. Review status: criteria provided, single submitter. Criteria: Ambry Variant Classification Scheme 2023. Collection method: clinical testing. Allele origin: germline.

GeneDx
Classification: Uncertain significance. Last evaluated: 2023-10-04. Review status: criteria provided, single submitter. Criteria: GeneDx Variant Classification Process June 2021. Collection method: clinical testing. Allele origin: germline. Affected: yes.
Comment: Not observed at significant frequency in large population cohorts (gnomAD); In silico analysis supports that this missense variant does not alter protein structure/function; Has not been previously published as pathogenic or benign to our knowledge; This variant is associated with the following publications: (PMID: 19296856)

NM_006231.4(POLE):c.6454G>T (p.Val2152Leu)

Gene: POLE (DNA polymerase epsilon, catalytic subunit; minus strand). Cytogenetic location: 12q24.33.
Variant type: single nucleotide variant.
Coding change: c.6454G>T on transcript NM_006231.4 (MANE Select); coding-DNA position 6454, G replaced by T.
Protein change: p.Val2152Leu; replaces valine 2152 with leucine.
Molecular consequence: missense variant.
Genome position (GRCh38, 1-based): chr12:132,626,194, C>A on the plus strand (G>T on the coding strand, the complement: POLE is on the minus strand). VCF-style: chr12-132626194-C-A. GRCh37 (hg19) VCF-style: chr12-133202780-C-A.
Other names: c.6454G>T (NM_006231.2); short protein forms V2152L.
Identifiers: ClinVar variation 540753 (VCV000540753.11), dbSNP rs138789360, ClinGen allele CA387367478.